The following is an entry in ClinVar:

NM_003628.6(PKP4):c.2984G>A (p.Arg995Gln)

Genes: PKP4 (plakophilin 4; plus strand), PKP4-AS1 (PKP4 antisense RNA 1; minus strand). Cytogenetic location: 2q24.1.
Variant type: single nucleotide variant.
Coding change: c.2984G>A on transcript NM_003628.6 (MANE Select); coding-DNA position 2984, G replaced by A.
Protein change: p.Arg995Gln; replaces arginine 995 with glutamine.
Molecular consequence: missense variant.
Genome position (GRCh38, 1-based): chr2:158,673,736, G>A. VCF-style: chr2-158673736-G-A. GRCh37 (hg19) VCF-style: chr2-159530248-G-A.
Other names: c.2984G>A, p.Arg995Gln (NM_001005476.4, NM_001377218.1, NM_001377225.1); c.2981G>A, p.Arg994Gln (NM_001304969.3, NM_001377219.1, NM_001377220.1 and 2 more transcripts); c.1955G>A, p.Arg652Gln (NM_001304970.3); c.2978G>A, p.Arg993Gln (NM_001377222.1, NM_001377223.1); c.2975G>A, p.Arg992Gln (NM_001377224.1); short protein forms R994Q, R992Q, R652Q, R993Q, R995Q.
Identifiers: ClinVar variation 3307144 (VCV003307144.2).

ClinVar aggregate classification (germline): Uncertain significance (1 of 4 stars; one submission).

gnomAD v4.1: 2 of 1,612,586 alleles (0.00012%); highest among the groups gnomAD compares: East Asian, 0.0022%; no homozygotes.

Submission:

Ambry Genetics
Classification: Uncertain significance. Last evaluated: 2026-08-19. Review status: criteria provided, single submitter. Criteria: Ambry Variant Classification Scheme 2023. Collection method: clinical testing. Allele origin: germline.
Comment: The p.R995Q variant (also known as c.2984G>A), located in coding exon 17 of the PKP4 gene, results from a G to A substitution at nucleotide position 2984. The arginine at codon 995 is replaced by glutamine, an amino acid with highly similar properties. This amino acid position is conserved. In addition, the in silico prediction for this alteration is inconclusive. Based on the available evidence, the clinical significance of this variant remains unclear.